The following is an entry in ClinVar:

NM_004706.4(ARHGEF1):c.1414+3G>A

Gene: ARHGEF1 (Rho guanine nucleotide exchange factor 1; plus strand). Cytogenetic location: 19q13.2.
Variant type: single nucleotide variant.
Coding change: c.1414+3G>A on transcript NM_004706.4 (MANE Select); 3 bases into the intron after coding-DNA position 1414, G replaced by A.
Molecular consequence: intron variant.
Genome position (GRCh38, 1-based): chr19:41,902,036, G>A. VCF-style: chr19-41902036-G-A. GRCh37 (hg19) VCF-style: chr19-42406186-G-A.
Other names: c.1414+3G>A (NM_001396003.1, NM_001396006.1); c.1315+3G>A (NM_001396002.1, NM_198977.2, NM_001396004.1); c.1582+3G>A (NM_001396000.1); c.1459+3G>A (NM_199002.2).
Identifiers: ClinVar variation 4780909 (VCV004780909.2).

ClinVar aggregate classification (germline): Conflicting classifications of pathogenicity. Review status: criteria provided, conflicting classifications (1 of 4 stars). 2 submissions from 2 submitters: Uncertain significance (1); Likely benign (1). Last evaluated 2025-04-30.

Submissions (2):

Labcorp Genetics (formerly Invitae), Labcorp
Classification: Uncertain significance. Last evaluated: 2025-04-30. Review status: criteria provided, single submitter. Criteria: Invitae Variant Classification Sherloc (09022015). Collection method: clinical testing. Allele origin: germline.
Comment: This sequence change falls in intron 15 of the ARHGEF1 gene. It does not directly change the encoded amino acid sequence of the ARHGEF1 protein. It affects a nucleotide within the consensus splice site. This variant is not present in population databases (gnomAD no frequency). This variant has not been reported in the literature in individuals affected with ARHGEF1-related conditions. Variants that disrupt the consensus splice site are a relatively common cause of aberrant splicing (PMID: 17576681, 9536098). Algorithms developed to predict the effect of sequence changes on RNA splicing suggest that this variant is not likely to affect RNA splicing. In summary, the available evidence is currently insufficient to determine the role of this variant in disease. Therefore, it has been classified as a Variant of Uncertain Significance.

Blueprint Genetics
Classification: Likely benign. Last evaluated: 2024-09-09. Review status: criteria provided, single submitter. Criteria: ACMG Guidelines, 2015. Collection method: clinical testing. Allele origin: germline.

Literature cited by the submitters: PubMed 17576681 (cited by Labcorp Genetics (formerly Invitae), Labcorp); PubMed 9536098 (cited by Labcorp Genetics (formerly Invitae), Labcorp).